The following is an entry in ClinVar:

NM_006017.3(PROM1):c.2049A>T (p.Gln683His)

Gene: PROM1 (prominin 1; minus strand). Cytogenetic location: 4p15.32.
Variant type: single nucleotide variant.
Coding change: c.2049A>T on transcript NM_006017.3 (MANE Select); coding-DNA position 2049, A replaced by T.
Protein change: p.Gln683His; replaces glutamine 683 with histidine.
Molecular consequence: missense variant.
Genome position (GRCh38, 1-based): chr4:15,989,759, T>A on the plus strand (A>T on the coding strand, the complement: PROM1 is on the minus strand). VCF-style: chr4-15989759-T-A. GRCh37 (hg19) VCF-style: chr4-15991382-T-A.
Other names: c.2022A>T, p.Gln674His (NM_001145847.2, NM_001145848.2, NM_001145851.2 and 4 more transcripts); c.2049A>T, p.Gln683His (NM_001145849.2, NM_001145850.2); short protein forms Q674H, Q683H.
Identifiers: ClinVar variation 1521096 (VCV001521096.7), dbSNP rs759432430, ClinGen allele CA2866538.
Genomic context (GRCh38, chr4:15,989,759, plus strand): 5'-CACAGTGAAATACAATACGTCGTTGACTGTTACCAGTGATTGTTCTATAGGAAGGACTCG[T>A]TGCTGGTGAATTGTTTTAATAGTTTGTGCATCTCTTTTCAGGGAGTTCCTCAAATTTCCT-3'
Protein context (NP_006008.1, residues 673-693): DAQTIKTIHQ[Gln683His]RVLPIEQSLS

ClinVar aggregate classification (germline): Uncertain significance. Review status: criteria provided, multiple submitters, no conflicts (2 of 4 stars). 2 submissions from 2 submitters: Uncertain significance (2). Last evaluated 2024-11-04.

Allele frequency attached by ClinVar (database versions not stated): TOPMed 0.00001; gnomAD exomes 0.00002 and 0.00003; gnomAD 0.00005 and 0.00006; ExAC 0.00006.
gnomAD v4.1: 56 of 1,608,978 alleles (0.0035%); highest among the groups gnomAD compares: Non-Finnish European, 0.004%; no homozygotes.

Submissions (2):

Blueprint Genetics
Classification: Uncertain significance. Last evaluated: 2024-11-04. Review status: criteria provided, single submitter. Criteria: ACMG Guidelines, 2015. Collection method: clinical testing. Allele origin: germline.

Labcorp Genetics (formerly Invitae), Labcorp
Classification: Uncertain significance. Last evaluated: 2024-10-24. Review status: criteria provided, single submitter. Criteria: Invitae Variant Classification Sherloc (09022015). Collection method: clinical testing. Allele origin: germline.
Comment: This sequence change replaces glutamine, which is neutral and polar, with histidine, which is basic and polar, at codon 683 of the PROM1 protein (p.Gln683His). This variant is present in population databases (rs759432430, gnomAD 0.009%). This missense change has been observed in individual(s) with Stargardt disease (internal data). ClinVar contains an entry for this variant (Variation ID: 1521096). Invitae Evidence Modeling of protein sequence and biophysical properties (such as structural, functional, and spatial information, amino acid conservation, physicochemical variation, residue mobility, and thermodynamic stability) indicates that this missense variant is not expected to disrupt PROM1 protein function with a negative predictive value of 80%. In summary, the available evidence is currently insufficient to determine the role of this variant in disease. Therefore, it has been classified as a Variant of Uncertain Significance.